The following is an entry in ClinVar:

NM_000256.3(MYBPC3):c.2067+5T>C

Gene: MYBPC3 (myosin binding protein C3; minus strand). Cytogenetic location: 11p11.2.
Variant type: single nucleotide variant.
Coding change: c.2067+5T>C on transcript NM_000256.3 (MANE Select); 5 bases into the intron after coding-DNA position 2067, T replaced by C.
Molecular consequence: intron variant.
Genome position (GRCh38, 1-based): chr11:47,339,646, A>G on the plus strand (T>C on the coding strand, the complement: MYBPC3 is on the minus strand). VCF-style: chr11-47339646-A-G. GRCh37 (hg19) VCF-style: chr11-47361197-A-G.
Identifiers: ClinVar variation 3400421 (VCV003400421.1).

ClinVar aggregate classification (germline): Uncertain significance (1 of 4 stars; one submission).

Conditions:
Cardiovascular phenotype. Identifiers: MedGen CN230736.

Submission:

Ambry Genetics
Classification: Uncertain significance for Cardiovascular phenotype. Last evaluated: 2024-10-30. Review status: criteria provided, single submitter. Criteria: Ambry Variant Classification Scheme 2023. Collection method: clinical testing. Allele origin: germline.
Comment: The c.2067+5T>C intronic variant results from a T to C substitution 5 nucleotides after coding exon 21 in the MYBPC3 gene. This nucleotide position is not well conserved in available vertebrate species. In silico splice site analysis predicts that this alteration will not have any significant effect on splicing. Based on the available evidence, the clinical significance of this variant remains unclear.